The following is an entry in ClinVar:

ClinVar aggregate classification (germline): Uncertain significance (1 of 4 stars; one submission).

Conditions:
Hypertrophic cardiomyopathy 14. Identifiers: MedGen C2750467, MONDO:0013197, OMIM 613251.

Submission:

Labcorp Genetics (formerly Invitae), Labcorp
Classification: Uncertain significance for Hypertrophic cardiomyopathy 14. Last evaluated: 2022-01-03. Review status: criteria provided, single submitter. Criteria: Invitae Variant Classification Sherloc (09022015). Collection method: clinical testing. Allele origin: germline.
Comment: In summary, the available evidence is currently insufficient to determine the role of this variant in disease. Therefore, it has been classified as a Variant of Uncertain Significance. Algorithms developed to predict the effect of missense changes on protein structure and function are either unavailable or do not agree on the potential impact of this missense change (SIFT: "Tolerated"; PolyPhen-2: "Probably Damaging"; Align-GVGD: "Class C0"). This variant has not been reported in the literature in individuals affected with MYH6-related conditions. This variant is not present in population databases (gnomAD no frequency). This sequence change replaces glutamic acid, which is acidic and polar, with glycine, which is neutral and non-polar, at codon 1428 of the MYH6 protein (p.Glu1428Gly).

NM_002471.4(MYH6):c.4283A>G (p.Glu1428Gly)

Gene: MYH6 (myosin heavy chain 6; minus strand). Cytogenetic location: 14q11.2.
Variant type: single nucleotide variant.
Coding change: c.4283A>G on transcript NM_002471.4 (MANE Select); coding-DNA position 4283, A replaced by G.
Protein change: p.Glu1428Gly; replaces glutamic acid 1428 with glycine.
Molecular consequence: missense variant.
Genome position (GRCh38, 1-based): chr14:23,388,231, T>C on the plus strand (A>G on the coding strand, the complement: MYH6 is on the minus strand). VCF-style: chr14-23388231-T-C. GRCh37 (hg19) VCF-style: chr14-23857440-T-C.
Other names: short protein forms E1428G.
Identifiers: ClinVar variation 2069000 (VCV002069000.4), dbSNP rs2502149903, ClinGen allele CA388998946.
Genomic context (GRCh38, chr14:23,388,231, plus strand): 5'-TGCTTCTTGTCCAGGGCTGCAGCAGCAGCATTGGAGCGCTCTACGTCCACCATCAAGTCC[T>C]CTATCTCATTCTGTAGCCGGTGCTTGGTCTTCTCCAGTGAGGAGCACTTGGCATTAACAG-3'
Protein context (NP_002462.2, residues 1418-1438): KTKHRLQNEI[Glu1428Gly]DLMVDVERSN